The following is an entry in ClinVar:

ClinVar aggregate classification (germline): Uncertain significance. Review status: criteria provided, multiple submitters, no conflicts (2 of 4 stars). 2 submissions from 2 submitters: Uncertain significance (2). Last evaluated 2025-11-27.

Conditions:
Aortic aneurysm, familial thoracic 7 (AAT7). Also called: AORTIC DISSECTION, FAMILIAL, WITH OR WITHOUT AORTIC ANEURYSM. Identifiers: MedGen C3151077, MONDO:0013418, OMIM 613780.
Familial thoracic aortic aneurysm and aortic dissection (TAAD). Also called: Thoracic aortic aneurysms and dissections. Identifiers: Orphanet 91387, MedGen C4707243, MONDO:0019625.

Submissions (2):

Labcorp Genetics (formerly Invitae), Labcorp
Classification: Uncertain significance for Aortic aneurysm, familial thoracic 7. Last evaluated: 2025-11-27. Review status: criteria provided, single submitter. Criteria: Invitae Variant Classification Sherloc (09022015). Collection method: clinical testing. Allele origin: germline.
Comment: This sequence change replaces aspartic acid, which is acidic and polar, with alanine, which is neutral and non-polar, at codon 839 of the MYLK protein (p.Asp839Ala). This variant is not present in population databases (gnomAD no frequency). This variant has not been reported in the literature in individuals affected with MYLK-related conditions. ClinVar contains an entry for this variant (Variation ID: 3297595). Invitae Evidence Modeling of protein sequence and biophysical properties (such as structural, functional, and spatial information, amino acid conservation, physicochemical variation, residue mobility, and thermodynamic stability) indicates that this missense variant is not expected to disrupt MYLK protein function with a negative predictive value of 95%. In summary, the available evidence is currently insufficient to determine the role of this variant in disease. Therefore, it has been classified as a Variant of Uncertain Significance.

Ambry Genetics
Classification: Uncertain significance for Familial thoracic aortic aneurysm and aortic dissection. Last evaluated: 2024-03-30. Review status: criteria provided, single submitter. Criteria: Ambry Variant Classification Scheme 2023. Collection method: clinical testing. Allele origin: germline.
Comment: The p.D839A variant (also known as c.2516A>C), located in coding exon 15 of the MYLK gene, results from an A to C substitution at nucleotide position 2516. The aspartic acid at codon 839 is replaced by alanine, an amino acid with dissimilar properties. This amino acid position is conserved. In addition, this alteration is predicted to be tolerated by in silico analysis. Based on the available evidence, the clinical significance of this alteration remains unclear.

NM_053025.4(MYLK):c.2516A>C (p.Asp839Ala)

Gene: MYLK (myosin light chain kinase; minus strand). Cytogenetic location: 3q21.1.
Variant type: single nucleotide variant.
Coding change: c.2516A>C on transcript NM_053025.4 (MANE Select); coding-DNA position 2516, A replaced by C.
Protein change: p.Asp839Ala; replaces aspartic acid 839 with alanine.
Molecular consequence: missense variant.
Genome position (GRCh38, 1-based): chr3:123,700,952, T>G on the plus strand (A>C on the coding strand, the complement: MYLK is on the minus strand). VCF-style: chr3-123700952-T-G. GRCh37 (hg19) VCF-style: chr3-123419799-T-G.
Other names: c.1988A>C, p.Asp663Ala (NM_001321309.2); c.2309A>C, p.Asp770Ala (NM_053026.4, NM_053028.4); c.2516A>C, p.Asp839Ala (NM_053027.4); short protein forms D663A, D770A, D839A.
Identifiers: ClinVar variation 3297595 (VCV003297595.2).